The following is an entry in ClinVar:

ClinVar aggregate classification (germline): Uncertain significance (1 of 4 stars; one submission).

Conditions:
Nemaline myopathy 6 (NEM6). Also called: Nemaline myopathy 6, autosomal dominant. Identifiers: Orphanet 171439, MedGen C1836472, MONDO:0012237, OMIM 609273.

Submission:

Labcorp Genetics (formerly Invitae), Labcorp
Classification: Uncertain significance for Nemaline myopathy 6. Last evaluated: 2024-11-18. Review status: criteria provided, single submitter. Criteria: Invitae Variant Classification Sherloc (09022015). Collection method: clinical testing. Allele origin: germline.
Comment: This sequence change replaces tyrosine, which is neutral and polar, with histidine, which is basic and polar, at codon 414 of the KBTBD13 protein (p.Tyr414His). This variant is not present in population databases (gnomAD no frequency). This variant has not been reported in the literature in individuals affected with KBTBD13-related conditions. ClinVar contains an entry for this variant (Variation ID: 532996). An algorithm developed to predict the effect of missense changes on protein structure and function (PolyPhen-2) suggests that this variant is likely to be disruptive. In summary, the available evidence is currently insufficient to determine the role of this variant in disease. Therefore, it has been classified as a Variant of Uncertain Significance.

NM_001101362.3(KBTBD13):c.1240T>C (p.Tyr414His)

Gene: KBTBD13 (kelch repeat and BTB domain containing 13; plus strand). Cytogenetic location: 15q22.31.
Variant type: single nucleotide variant.
Coding change: c.1240T>C on transcript NM_001101362.3 (MANE Select); coding-DNA position 1240, T replaced by C.
Protein change: p.Tyr414His; replaces tyrosine 414 with histidine.
Molecular consequence: missense variant.
Genome position (GRCh38, 1-based): chr15:65,078,055, T>C. VCF-style: chr15-65078055-T-C. GRCh37 (hg19) VCF-style: chr15-65370393-T-C.
Other names: short protein forms Y414H.
Identifiers: ClinVar variation 532996 (VCV000532996.8), dbSNP rs1555407759, ClinGen allele CA392866956.